The following is an entry in ClinVar:

ClinVar aggregate classification (germline): Uncertain significance (1 of 4 stars; one submission).

gnomAD v4.1: 1 of 1,551,704 alleles (0.000064%); highest among the groups gnomAD compares: Admixed American, 0.002%; no homozygotes.

Submission:

Labcorp Genetics (formerly Invitae), Labcorp
Classification: Uncertain significance. Last evaluated: 2024-05-27. Review status: criteria provided, single submitter. Criteria: Invitae Variant Classification Sherloc (09022015). Collection method: clinical testing. Allele origin: germline.
Comment: This sequence change replaces serine, which is neutral and polar, with phenylalanine, which is neutral and non-polar, at codon 62 of the WDR87 protein (p.Ser62Phe). This variant is present in population databases (no rsID available, gnomAD 0.004%). This variant has not been reported in the literature in individuals affected with WDR87-related conditions. An algorithm developed to predict the effect of missense changes on protein structure and function (PolyPhen-2) suggests that this variant is likely to be tolerated. In summary, the available evidence is currently insufficient to determine the role of this variant in disease. Therefore, it has been classified as a Variant of Uncertain Significance.

NM_001291088.2(WDR87):c.302C>T (p.Ser101Phe)

Gene: WDR87 (WD repeat domain 87; minus strand). Cytogenetic location: 19q13.13.
Variant type: single nucleotide variant.
Coding change: c.302C>T on transcript NM_001291088.2 (MANE Select); coding-DNA position 302, C replaced by T.
Protein change: p.Ser101Phe; replaces serine 101 with phenylalanine.
Molecular consequence: missense variant.
Genome position (GRCh38, 1-based): chr19:37,895,401, G>A on the plus strand (C>T on the coding strand, the complement: WDR87 is on the minus strand). VCF-style: chr19-37895401-G-A. GRCh37 (hg19) VCF-style: chr19-38386041-G-A.
Other names: c.185C>T, p.Ser62Phe (NM_031951.5); short protein forms S101F, S62F.
Identifiers: ClinVar variation 3613191 (VCV003613191.2).